The following is an entry in ClinVar:

NM_017780.4(CHD7):c.2002C>A (p.Pro668Thr)

Genes: CHD7 (chromodomain helicase DNA binding protein 7; plus strand), LOC126860403 (CDK7 strongly-dependent group 2 enhancer GRCh37_chr8:61693034-61694233; plus strand). Cytogenetic location: 8q12.2.
Variant type: single nucleotide variant.
Coding change: c.2002C>A on transcript NM_017780.4 (MANE Select); coding-DNA position 2002, C replaced by A.
Protein change: p.Pro668Thr; replaces proline 668 with threonine.
Molecular consequence: missense variant. On other transcripts: intron variant (1).
Genome position (GRCh38, 1-based): chr8:60,781,336, C>A. VCF-style: chr8-60781336-C-A. GRCh37 (hg19) VCF-style: chr8-61693895-C-A.
Other names: c.1716+286C>A (NM_001316690.1); short protein forms P668T.
Identifiers: ClinVar variation 3362020 (VCV003362020.3).
Genomic context (GRCh38, chr8:60,781,336, plus strand): 5'-AAGGCAAAAAAAGACCCGAAGGAACCGAAAGAACCCAAGGAGAAAAAAGAGCCCAAGGAA[C>A]CCAAGACCCCGAAAGCCCCTAAGATTCCCAAAGAGCCAAAGGAAAAGAAAGCAAAAACTG-3'
Protein context (NP_060250.2, residues 658-678): EPKEKKEPKE[Pro668Thr]KTPKAPKIPK

ClinVar aggregate classification (germline): Uncertain significance. Review status: criteria provided, multiple submitters, no conflicts (2 of 4 stars). 2 submissions from 2 submitters: Uncertain significance (2). Last evaluated 2024-09-28.

Conditions:
CHARGE syndrome (CHARGE). Also called: Hittner Hirsch Kreh syndrome; CHARGE ASSOCIATION--COLOBOMA, HEART ANOMALY, CHOANAL ATRESIA, RETARDATION, GENITAL AND EAR ANOMALIES; Coloboma, heart anomaly, choanal atresia, retardation, genital and ear anomalies; CHARGE association; Hall-Hittner syndrome. Identifiers: Orphanet 138, MedGen C0265354, MONDO:0008965.

Submissions (2):

Labcorp Genetics (formerly Invitae), Labcorp
Classification: Uncertain significance for CHARGE syndrome. Last evaluated: 2024-09-28. Review status: criteria provided, single submitter. Criteria: Invitae Variant Classification Sherloc (09022015). Collection method: clinical testing. Allele origin: germline.
Comment: This sequence change replaces proline, which is neutral and non-polar, with threonine, which is neutral and polar, at codon 668 of the CHD7 protein (p.Pro668Thr). This variant is not present in population databases (gnomAD no frequency). This variant has not been reported in the literature in individuals affected with CHD7-related conditions. Invitae Evidence Modeling of protein sequence and biophysical properties (such as structural, functional, and spatial information, amino acid conservation, physicochemical variation, residue mobility, and thermodynamic stability) indicates that this missense variant is not expected to disrupt CHD7 protein function with a negative predictive value of 80%. In summary, the available evidence is currently insufficient to determine the role of this variant in disease. Therefore, it has been classified as a Variant of Uncertain Significance.

GeneDx
Classification: Uncertain significance. Last evaluated: 2023-06-01. Review status: criteria provided, single submitter. Criteria: GeneDx Variant Classification Process June 2021. Collection method: clinical testing. Allele origin: germline. Affected: yes.
Comment: Not observed at significant frequency in large population cohorts (gnomAD); In silico analysis supports that this missense variant does not alter protein structure/function; Has not been previously published as pathogenic or benign to our knowledge